The following is an entry in ClinVar:

NM_000090.4(COL3A1):c.2146C>T (p.Pro716Ser)

Gene: COL3A1 (collagen type III alpha 1 chain; plus strand). Cytogenetic location: 2q32.2.
Variant type: single nucleotide variant.
Coding change: c.2146C>T on transcript NM_000090.4 (MANE Select); coding-DNA position 2146, C replaced by T.
Protein change: p.Pro716Ser; replaces proline 716 with serine.
Molecular consequence: missense variant.
Genome position (GRCh38, 1-based): chr2:188,999,494, C>T. VCF-style: chr2-188999494-C-T. GRCh37 (hg19) VCF-style: chr2-189864220-C-T.
Other names: short protein forms P716S.
Identifiers: ClinVar variation 3072462 (VCV003072462.1), dbSNP rs2469143952, ClinGen allele CA349840598.

ClinVar aggregate classification (germline): Uncertain significance (1 of 4 stars; one submission).

Conditions:
Ehlers-Danlos syndrome, type 4 (EDSVASC). Also called: Ehlers-Danlos Syndrome Type IV; Ehlers-Danlos syndrome vascular type; Ehlers Danlos syndrome, ecchymotic type; Ehlers Danlos syndrome, arterial type; Ehlers Danlos syndrome, Sack-Barabas type. Identifiers: Orphanet 286, MedGen C0268338, MONDO:0017314, OMIM 130050.

gnomAD v4.1: 3 of 1,614,100 alleles (0.00019%); highest among the groups gnomAD compares: Non-Finnish European, 0.00025%; no homozygotes.

Submission:

All of Us Research Program, National Institutes of Health
Classification: Uncertain significance for Ehlers-Danlos syndrome, type 4. Last evaluated: 2023-07-19. Review status: criteria provided, single submitter. Criteria: ACMG Guidelines, 2015. Collection method: clinical testing. Allele origin: germline. Inheritance: Autosomal dominant inheritance. Observed: 1 variant allele, 1 heterozygote.
Comment: This missense variant replaces proline with serine at codon 716 of the COL3A1 protein. Computational prediction suggests that this variant may not impact protein structure and function (internally defined REVEL score threshold <= 0.5, PMID: 27666373). To our knowledge, functional studies have not been reported for this variant. This variant has not been reported in individuals affected with COL3A1-related disorders in the literature. This variant has not been identified in the general population by the Genome Aggregation Database (gnomAD). The available evidence is insufficient to determine the role of this variant in disease conclusively. Therefore, this variant is classified as a Variant of Uncertain Significance.

This study involves interpretation of variants in research participants for the purpose of population health screening. Participant phenotype was not available at the time of variant classification. Additional details can be found in publication PMID: 35346344, PMCID: PMC8962531